The following is an entry in ClinVar:

NM_000368.5(TSC1):c.3217A>G (p.Ser1073Gly)

Gene: TSC1 (TSC complex subunit 1; minus strand). Cytogenetic location: 9q34.13.
Variant type: single nucleotide variant.
Coding change: c.3217A>G on transcript NM_000368.5 (MANE Select); coding-DNA position 3217, A replaced by G.
Protein change: p.Ser1073Gly; replaces serine 1073 with glycine.
Molecular consequence: missense variant.
Genome position (GRCh38, 1-based): chr9:132,896,513, T>C on the plus strand (A>G on the coding strand, the complement: TSC1 is on the minus strand). VCF-style: chr9-132896513-T-C. GRCh37 (hg19) VCF-style: chr9-135771900-T-C.
Other names: c.3214A>G, p.Ser1072Gly (NM_001162426.2); c.3064A>G, p.Ser1022Gly (NM_001162427.2); c.2854A>G, p.Ser952Gly (NM_001362177.2); short protein forms S1072G, S1022G, S1073G, S952G.
Identifiers: ClinVar variation 948504 (VCV000948504.14), dbSNP rs1845059319, ClinGen allele CA375366981.

ClinVar aggregate classification (germline): Conflicting classifications of pathogenicity. Review status: criteria provided, conflicting classifications (1 of 4 stars). 3 submissions from 3 submitters: Uncertain significance (2); Likely benign (1). Last evaluated 2026-07-30.

Conditions:
Tuberous sclerosis syndrome (TSC). Also called: Tuberous Sclerosis Complex; Tuberous sclerosis. Identifiers: Orphanet 805, MedGen C0041341, MONDO:0001734.
Tuberous sclerosis 1 (TSC1). Identifiers: Orphanet 805, MedGen C1854465, MONDO:0008612, OMIM 191100.
Hereditary cancer-predisposing syndrome. Also called: Neoplastic Syndromes, Hereditary; Hereditary Cancer Syndrome; Tumor predisposition; Hereditary neoplastic syndrome. Identifiers: Orphanet 140162, MedGen C0027672, MeSH D009386, MONDO:0015356.

Submissions (3):

Ambry Genetics
Classification: Likely benign for Hereditary cancer-predisposing syndrome. Last evaluated: 2026-07-30. Review status: criteria provided, single submitter. Criteria: Ambry Variant Classification Scheme 2023. Collection method: clinical testing. Allele origin: germline.

Labcorp Genetics (formerly Invitae), Labcorp
Classification: Uncertain significance for Tuberous sclerosis 1. Last evaluated: 2024-03-06. Review status: criteria provided, single submitter. Criteria: Invitae Variant Classification Sherloc (09022015). Collection method: clinical testing. Allele origin: germline.
Comment: This sequence change replaces serine, which is neutral and polar, with glycine, which is neutral and non-polar, at codon 1073 of the TSC1 protein (p.Ser1073Gly). This variant is not present in population databases (gnomAD no frequency). This variant has not been reported in the literature in individuals affected with TSC1-related conditions. ClinVar contains an entry for this variant (Variation ID: 948504). Advanced modeling of protein sequence and biophysical properties (such as structural, functional, and spatial information, amino acid conservation, physicochemical variation, residue mobility, and thermodynamic stability) performed at Invitae indicates that this missense variant is not expected to disrupt TSC1 protein function with a negative predictive value of 95%. In summary, the available evidence is currently insufficient to determine the role of this variant in disease. Therefore, it has been classified as a Variant of Uncertain Significance.

All of Us Research Program, National Institutes of Health
Classification: Uncertain significance for Tuberous sclerosis syndrome. Last evaluated: 2023-11-02. Review status: criteria provided, single submitter. Criteria: ACMG Guidelines, 2015. Collection method: clinical testing. Allele origin: germline. Inheritance: Autosomal dominant inheritance. Observed: 1 variant allele, 1 heterozygote.
Comment: This missense variant replaces serine with glycine at codon 1073 of the TSC1 protein. Computational prediction suggests that this variant may not impact protein structure and function (internally defined REVEL score threshold <= 0.5, PMID: 27666373). To our knowledge, functional studies have not been reported for this variant. This variant has not been reported in individuals affected with TSC1-related disorders in the literature. This variant has not been identified in the general population by the Genome Aggregation Database (gnomAD). The available evidence is insufficient to determine the role of this variant in disease conclusively. Therefore, this variant is classified as a Variant of Uncertain Significance.

This study involves interpretation of variants in research participants for the purpose of population health screening. Participant phenotype was not available at the time of variant classification. Additional details can be found in publication PMID: 35346344, PMCID: PMC8962531